The following is an entry in ClinVar:

ClinVar aggregate classification (germline): Likely benign (0 of 4 stars; one submission).

Conditions:
CUL4B-related disorder. Also called: CUL4B-related condition.

Submission:

PreventionGenetics, part of Exact Sciences
Classification: Likely benign for CUL4B-related condition. Last evaluated: 2023-11-06. Review status: no assertion criteria provided. Collection method: clinical testing. Allele origin: germline.
Comment: This variant is classified as likely benign based on ACMG/AMP sequence variant interpretation guidelines (Richards et al. 2015 PMID: 25741868, with internal and published modifications).

NM_001079872.2(CUL4B):c.2106A>G (p.Lys702=)

Gene: CUL4B (cullin 4B; minus strand). Cytogenetic location: Xq24.
Variant type: single nucleotide variant.
Coding change: c.2106A>G on transcript NM_001079872.2 (MANE Select); coding-DNA position 2106, A replaced by G.
Protein change: p.Lys702=; no amino-acid change (lysine 702 retained).
Molecular consequence: synonymous variant.
Genome position (GRCh38, 1-based): chrX:120,535,884, T>C on the plus strand (A>G on the coding strand, the complement: CUL4B is on the minus strand). VCF-style: chrX-120535884-T-C. GRCh37 (hg19) VCF-style: chrX-119669739-T-C.
Other names: c.2121A>G, p.Lys707= (NM_001330624.2); c.1572A>G, p.Lys524= (NM_001369145.1); c.2160A>G, p.Lys720= (NM_003588.4).
Identifiers: ClinVar variation 3348981 (VCV003348981.1).